The following is an entry in ClinVar:

NM_153704.6(TMEM67):c.1518+2T>C

Gene: TMEM67 (transmembrane protein 67; plus strand). Cytogenetic location: 8q22.1.
Variant type: single nucleotide variant.
Coding change: c.1518+2T>C on transcript NM_153704.6 (MANE Select); the canonical splice donor site of the intron after coding-DNA position 1518, T replaced by C.
Molecular consequence: splice donor variant.
Genome position (GRCh38, 1-based): chr8:93,787,951, T>C. VCF-style: chr8-93787951-T-C. GRCh37 (hg19) VCF-style: chr8-94800179-T-C.
Other names: c.1275+2T>C (NM_001142301.1).
Identifiers: ClinVar variation 2949030 (VCV002949030.3), dbSNP rs1814190165, ClinGen allele CA371690307.
Genomic context (GRCh38, chr8:93,787,951, plus strand): 5'-TAATCACCATTGCCTACAGTGACATTGATATCAAAGATGCCAACAGCCAGTCTGTGAAGG[T>C]GAGTTCCTGACTTATTAGTGCCCTTGTATGTATAAATAGAGTATAATACTGATTCAGTTT-3'

ClinVar aggregate classification (germline): Likely pathogenic (1 of 4 stars; one submission).

Conditions:
Joubert syndrome. Also called: CEREBELLOPARENCHYMAL DISORDER IV; JOUBERT-BOLTSHAUSER SYNDROME; Familial aplasia of the vermis. Identifiers: Orphanet 475, MedGen C5979921, MONDO:0018772.
Meckel-Gruber syndrome. Also called: DYSENCEPHALIA SPLANCHNOCYSTICA; GRUBER SYNDROME; Dysencephalia splachnocystica. Identifiers: Orphanet 564, MedGen C0265215, MONDO:0018921.

Allele frequency attached by ClinVar (database versions not stated): TOPMed below 0.00001; gnomAD 0.00001.

Submission:

Labcorp Genetics (formerly Invitae), Labcorp
Classification: Likely pathogenic for Joubert syndrome; Meckel-Gruber syndrome. Last evaluated: 2023-12-07. Review status: criteria provided, single submitter. Criteria: Invitae Variant Classification Sherloc (09022015). Collection method: clinical testing. Allele origin: germline.
Comment: This sequence change affects a donor splice site in intron 14 of the TMEM67 gene. It is expected to disrupt RNA splicing. Variants that disrupt the donor or acceptor splice site typically lead to a loss of protein function (PMID: 16199547), and loss-of-function variants in TMEM67 are known to be pathogenic (PMID: 20232449, 23559409). This variant is not present in population databases (gnomAD no frequency). This variant has not been reported in the literature in individuals affected with TMEM67-related conditions. Algorithms developed to predict the effect of sequence changes on RNA splicing suggest that this variant may disrupt the consensus splice site. In summary, the currently available evidence indicates that the variant is pathogenic, but additional data are needed to prove that conclusively. Therefore, this variant has been classified as Likely Pathogenic.

Literature cited by the submitters: PubMed 16199547; PubMed 20232449; PubMed 23559409.